The following is an entry in ClinVar:

NM_000548.5(TSC2):c.3384C>G (p.Val1128=)

Gene: TSC2 (TSC complex subunit 2; plus strand). Cytogenetic location: 16p13.3.
Variant type: single nucleotide variant.
Coding change: c.3384C>G on transcript NM_000548.5 (MANE Select); coding-DNA position 3384, C replaced by G.
Protein change: p.Val1128=; no amino-acid change (valine 1128 retained).
Molecular consequence: synonymous variant. On other transcripts: non-coding transcript variant (5).
Genome position (GRCh38, 1-based): chr16:2,079,656, C>G. VCF-style: chr16-2079656-C-G. GRCh37 (hg19) VCF-style: chr16-2129657-C-G.
Other names: c.3252C>G, p.Val1084= (NM_001077183.3, NM_001370404.1, NM_001406665.1); c.3384C>G, p.Val1128= (NM_001114382.3); c.3144C>G, p.Val1048= (NM_001318827.2); c.3108C>G, p.Val1036= (NM_001318829.2); c.2652C>G, p.Val884= (NM_001318831.2, NM_001406687.1, NM_001406688.1); c.3285C>G, p.Val1095= (NM_001318832.2); c.3255C>G, p.Val1085= (NM_001363528.2, NM_001370405.1, NM_021055.3); c.3381C>G, p.Val1127= (NM_001406663.1, NM_001406664.1); and 18 more.
Identifiers: ClinVar variation 3232142 (VCV003232142.2), dbSNP rs1567500984, ClinGen allele CA492955319.

ClinVar aggregate classification (germline): Uncertain significance (1 of 4 stars; one submission).

Conditions:
Hereditary cancer-predisposing syndrome. Also called: Neoplastic Syndromes, Hereditary; Tumor predisposition; Hereditary neoplastic syndrome; Hereditary Cancer Syndrome. Identifiers: Orphanet 140162, MedGen C0027672, MeSH D009386, MONDO:0015356.

Allele frequency attached by ClinVar (database versions not stated): gnomAD exomes below 0.00001.
gnomAD v4.1: 1 of 1,597,710 alleles (0.000063%); highest among the groups gnomAD compares: Non-Finnish European, 0.000085%; no homozygotes.

Submission:

Ambry Genetics
Classification: Uncertain significance for Hereditary cancer-predisposing syndrome. Last evaluated: 2025-12-03. Review status: criteria provided, single submitter. Criteria: Ambry Variant Classification Scheme 2023. Collection method: clinical testing. Allele origin: germline.
Comment: The c.3384C>G variant (also known as p.V1128V), located in coding exon 28 of the TSC2 gene, results from a C to G substitution at nucleotide position 3384. This nucleotide substitution does not change the valine at codon 1128. This nucleotide position is well conserved in available vertebrate species. In silico splice site analysis predicts that this alteration will result in the creation or strengthening of a novel splice donor site. RNA studies have demonstrated that this alteration results in an incomplete splice defect; the clinical impact of this abnormal splicing is unknown at this time (Ambry internal data). Since supporting evidence is limited at this time, the clinical significance of this alteration remains unclear.